The following is an entry in ClinVar:

ClinVar aggregate classification (germline): Uncertain significance (1 of 4 stars; one submission).

Conditions:
Hereditary pancreatitis (PCTT). Also called: Hereditary chronic pancreatitis; PRSS1-Related Hereditary Pancreatitis. Identifiers: Orphanet 676, MedGen C0238339, MONDO:0008185, OMIM 167800.

Submission:

Labcorp Genetics (formerly Invitae), Labcorp
Classification: Uncertain significance for Hereditary pancreatitis. Last evaluated: 2024-03-17. Review status: criteria provided, single submitter. Criteria: Invitae Variant Classification Sherloc (09022015). Collection method: clinical testing. Allele origin: germline.
Comment: This sequence change replaces leucine, which is neutral and non-polar, with phenylalanine, which is neutral and non-polar, at codon 7 of the CTRC protein (p.Leu7Phe). This variant is not present in population databases (gnomAD no frequency). This variant has not been reported in the literature in individuals affected with CTRC-related conditions. Algorithms developed to predict the effect of missense changes on protein structure and function output the following: SIFT: "Not Available"; PolyPhen-2: "Benign"; Align-GVGD: "Not Available". The phenylalanine amino acid residue is found in multiple mammalian species, which suggests that this missense change does not adversely affect protein function. In summary, the available evidence is currently insufficient to determine the role of this variant in disease. Therefore, it has been classified as a Variant of Uncertain Significance.

NM_007272.3(CTRC):c.19C>T (p.Leu7Phe)

Gene: CTRC (chymotrypsin C; plus strand). Cytogenetic location: 1p36.21.
Variant type: single nucleotide variant.
Coding change: c.19C>T on transcript NM_007272.3 (MANE Select); coding-DNA position 19, C replaced by T.
Protein change: p.Leu7Phe; replaces leucine 7 with phenylalanine.
Molecular consequence: missense variant.
Genome position (GRCh38, 1-based): chr1:15,438,483, C>T. VCF-style: chr1-15438483-C-T. GRCh37 (hg19) VCF-style: chr1-15764979-C-T.
Other names: short protein forms L7F.
Identifiers: ClinVar variation 3624770 (VCV003624770.2).